The following is an entry in ClinVar:

ClinVar aggregate classification (germline): Likely benign (1 of 4 stars; one submission).

Conditions:
Hereditary breast ovarian cancer syndrome. Also called: Hereditary breast and ovarian cancer; Hereditary breast and ovarian cancer syndrome; Hereditary breast and/or ovarian cancer syndrome; Hereditary breast and ovarian cancer syndrome (HBOC); Breast and ovarian cancer; BRCA1- and BRCA2-Associated Hereditary Breast and Ovarian Cancer. Identifiers: Orphanet 145, MedGen C0677776, MeSH D061325, MONDO:0003582. Disease mechanism: loss of function.

Submission:

German Consortium for Hereditary Breast and Ovarian Cancer, University Hospital Cologne
Classification: Likely benign for Hereditary breast ovarian cancer syndrome. Last evaluated: 2025-11-17. Review status: criteria provided, single submitter. Criteria: ClinGen BRCA2 V1.1.0. Collection method: curation. Allele origin: germline.
Comment: This classification follows the ClinGen ENIGMA BRCA2 v1.1.0 classification scheme; We chose these criteria: PM2 (supporting pathogenic): absent from gnomAD v4/3/2, BP4 (supporting benign): spliceAI: 0.01, BP7 (supporting benign): Intronic variant located beyond positions +7/-21, BP4 met.

NM_000059.4(BRCA2):c.6841+21T>G

Gene: BRCA2 (BRCA2 DNA repair associated; plus strand). Cytogenetic location: 13q13.1.
Variant type: single nucleotide variant.
Coding change: c.6841+21T>G on transcript NM_000059.4 (MANE Select); 21 bases into the intron after coding-DNA position 6841, T replaced by G.
Molecular consequence: intron variant.
Genome position (GRCh38, 1-based): chr13:32,341,217, T>G. VCF-style: chr13-32341217-T-G. GRCh37 (hg19) VCF-style: chr13-32915354-T-G.
Other names: c.6841+21T>G (NM_001432077.1, NM_001406720.1, NM_001406719.1); c.1910-3341T>G (NM_001406721.1); c.425-3341T>G (NM_001406722.1).
Identifiers: ClinVar variation 4533195 (VCV004533195.1).